The following is an entry in ClinVar:

ClinVar aggregate classification (germline): Benign. Review status: criteria provided, multiple submitters, no conflicts (2 of 4 stars). 2 submissions from 2 submitters: Benign (2). Last evaluated 2018-06-14.

Allele frequency attached by ClinVar (database versions not stated): 1000 Genomes Project 0.01777; 1000 Genomes Project 30x 0.01796; TOPMed 0.03031; gnomAD 0.03628 and 0.03745; gnomAD exomes 0.03766 and 0.04734; ExAC 0.04325.
gnomAD v4.1: 59,072 of 1,291,250 alleles (4.6%); highest among the groups gnomAD compares: Non-Finnish European, 5.4%; 1,768 homozygotes.

Submissions (2):

GeneDx
Classification: Benign. Last evaluated: 2018-06-14. Review status: criteria provided, single submitter. Criteria: GeneDx Variant Classification (06012015). Collection method: clinical testing. Allele origin: germline. Affected: yes.
Comment: This variant is considered likely benign or benign based on one or more of the following criteria: it is a conservative change, it occurs at a poorly conserved position in the protein, it is predicted to be benign by multiple in silico algorithms, and/or has population frequency not consistent with disease.

Breakthrough Genomics
Classification: Benign. Review status: criteria provided, single submitter. Criteria: ACMG Guidelines, 2015. Collection method: not provided. Allele origin: germline. Inheritance: Autosomal recessive inheritance. Affected: yes.

NM_005005.3(NDUFB9):c.408+61C>T

Gene: NDUFB9 (NADH:ubiquinone oxidoreductase subunit B9; plus strand). Cytogenetic location: 8q24.13.
Variant type: single nucleotide variant.
Coding change: c.408+61C>T on transcript NM_005005.3 (MANE Select); 61 bases into the intron after coding-DNA position 408, C replaced by T.
Molecular consequence: intron variant.
Genome position (GRCh38, 1-based): chr8:124,547,174, C>T. VCF-style: chr8-124547174-C-T. GRCh37 (hg19) VCF-style: chr8-125559415-C-T.
Other names: c.279+61C>T (NM_001278646.2); c.375+61C>T (NM_001311168.2); c.240+61C>T (NM_001278645.2).
Identifiers: ClinVar variation 676288 (VCV000676288.2), dbSNP rs34095749, ClinGen allele CA4871565.